The following is an entry in ClinVar:

ClinVar aggregate classification (germline): Uncertain significance (1 of 4 stars; one submission).

Conditions:
Combined oxidative phosphorylation defect type 14. Also called: Combined oxidative phosphorylation deficiency 14. Identifiers: Orphanet 319519, MedGen C4755312, MONDO:0013986, OMIM 614946.

Allele frequency attached by ClinVar (database versions not stated): TOPMed 0.00001.

Submission:

Labcorp Genetics (formerly Invitae), Labcorp
Classification: Uncertain significance for Combined oxidative phosphorylation defect type 14. Last evaluated: 2022-10-17. Review status: criteria provided, single submitter. Criteria: Invitae Variant Classification Sherloc (09022015). Collection method: clinical testing. Allele origin: germline.
Comment: This variant has not been reported in the literature in individuals affected with FARS2-related conditions. ClinVar contains an entry for this variant (Variation ID: 1476092). Advanced modeling of protein sequence and biophysical properties (such as structural, functional, and spatial information, amino acid conservation, physicochemical variation, residue mobility, and thermodynamic stability) performed at Invitae indicates that this missense variant is not expected to disrupt FARS2 protein function. In summary, the available evidence is currently insufficient to determine the role of this variant in disease. Therefore, it has been classified as a Variant of Uncertain Significance. This variant is not present in population databases (gnomAD no frequency). This sequence change replaces serine, which is neutral and polar, with asparagine, which is neutral and polar, at codon 49 of the FARS2 protein (p.Ser49Asn).

NM_006567.5(FARS2):c.146G>A (p.Ser49Asn)

Genes: FARS2 (phenylalanyl-tRNA synthetase 2, mitochondrial; plus strand), LOC126859565 (CDK7 strongly-dependent group 2 enhancer GRCh37_chr6:5368745-5369944; plus strand). Cytogenetic location: 6p25.1.
Variant type: single nucleotide variant.
Coding change: c.146G>A on transcript NM_006567.5 (MANE Select); coding-DNA position 146, G replaced by A.
Protein change: p.Ser49Asn; replaces serine 49 with asparagine.
Molecular consequence: missense variant. On other transcripts: intron variant (2).
Genome position (GRCh38, 1-based): chr6:5,368,716, G>A. VCF-style: chr6-5368716-G-A. GRCh37 (hg19) VCF-style: chr6-5368949-G-A.
Other names: c.146G>A, p.Ser49Asn (NM_001318872.2, NM_001374875.1, NM_001374876.1 and 5 more transcripts); c.-340-27917G>A (NM_001375260.1); c.-84-35826G>A (NM_001375259.1); short protein forms S49N.
Identifiers: ClinVar variation 1476092 (VCV001476092.8), dbSNP rs1758836861, ClinGen allele CA362734649.